The following is an entry in ClinVar:

NM_001005273.3(CHD3):c.784G>A (p.Glu262Lys)

Gene: CHD3 (chromodomain helicase DNA binding protein 3; plus strand). Cytogenetic location: 17p13.1.
Variant type: single nucleotide variant.
Coding change: c.784G>A on transcript NM_001005273.3 (MANE Select); coding-DNA position 784, G replaced by A.
Protein change: p.Glu262Lys; replaces glutamic acid 262 with lysine.
Molecular consequence: missense variant.
Genome position (GRCh38, 1-based): chr17:7,893,560, G>A. VCF-style: chr17-7893560-G-A. GRCh37 (hg19) VCF-style: chr17-7796878-G-A.
Other names: c.961G>A, p.Glu321Lys (NM_001005271.3); c.784G>A, p.Glu262Lys (NM_005852.4); short protein forms E262K, E321K.
Identifiers: ClinVar variation 2412890 (VCV002412890.4), dbSNP rs2544789466, ClinGen allele CA397937606.

ClinVar aggregate classification (germline): Uncertain significance (1 of 4 stars; one submission).

Allele frequency attached by ClinVar (database versions not stated): gnomAD exomes below 0.00001.
gnomAD v4.1: 1 of 1,532,696 alleles (0.000065%); highest among the groups gnomAD compares: South Asian, 0.0012%; no homozygotes.

Submission:

GeneDx
Classification: Uncertain significance. Last evaluated: 2025-02-17. Review status: criteria provided, single submitter. Criteria: GeneDx Variant Classification Process June 2021. Collection method: clinical testing. Allele origin: germline.
Comment: Not observed at significant frequency in large population cohorts (gnomAD); In silico analysis supports that this missense variant has a deleterious effect on protein structure/function; Has not been previously published as pathogenic or benign to our knowledge